The following is an entry in ClinVar:

NM_005045.4(RELN):c.3865G>A (p.Val1289Ile)

Gene: RELN (reelin; minus strand). Cytogenetic location: 7q22.1.
Variant type: single nucleotide variant.
Coding change: c.3865G>A on transcript NM_005045.4 (MANE Select); coding-DNA position 3865, G replaced by A.
Protein change: p.Val1289Ile; replaces valine 1289 with isoleucine.
Molecular consequence: missense variant.
Genome position (GRCh38, 1-based): chr7:103,593,729, C>T on the plus strand (G>A on the coding strand, the complement: RELN is on the minus strand). VCF-style: chr7-103593729-C-T. GRCh37 (hg19) VCF-style: chr7-103234176-C-T.
Other names: c.3865G>A (NM_005045.3); c.3865G>A, p.Val1289Ile (NM_173054.3); short protein forms V1289I.
Identifiers: ClinVar variation 1484640 (VCV001484640.10), dbSNP rs1190582008, ClinGen allele CA368757052.
Genomic context (GRCh38, chr7:103,593,729, plus strand): 5'-TGTGCATAAATACCTTGAACTGTAGCACATATCCAGGTTTCAGGGTCAAATCTCGAGTTA[C>T]TGCAAATCGATCTCCATCTGATTTTCCAAATATCATTGCTGATGGTGTGGCAGCACAGAA-3'
Protein context (NP_005036.2, residues 1279-1299): FGKSDGDRFA[Val1289Ile]TRDLTLKPGY

ClinVar aggregate classification (germline): Uncertain significance. Review status: criteria provided, multiple submitters, no conflicts (2 of 4 stars). 3 submissions from 3 submitters: Uncertain significance (3). Last evaluated 2026-06-03.

Conditions:
RELN-related disorder. Also called: RELN-related condition.
Familial temporal lobe epilepsy 7. Identifiers: Orphanet 101046, MedGen C4225327, MONDO:0014639, OMIM 616436.
Norman-Roberts syndrome (LIS2). Also called: Lissencephaly 2 (Norman-Roberts type). Identifiers: Orphanet 89844, MedGen C0796089, MONDO:0009760, OMIM 257320.
Inborn genetic diseases. Identifiers: MedGen C0950123, MeSH D030342.

Allele frequency attached by ClinVar (database versions not stated): TOPMed below 0.00001; gnomAD exomes 0.00001 and below 0.00001.
gnomAD v4.1: 3 of 1,614,056 alleles (0.00019%); highest among the groups gnomAD compares: Admixed American, 0.0033%; no homozygotes.

Submissions (3):

Ambry Genetics
Classification: Uncertain significance for Inborn genetic diseases. Last evaluated: 2026-06-03. Review status: criteria provided, single submitter. Criteria: Ambry Variant Classification Scheme 2023. Collection method: clinical testing. Allele origin: germline.

Labcorp Genetics (formerly Invitae), Labcorp
Classification: Uncertain significance for Familial temporal lobe epilepsy 7; Norman-Roberts syndrome. Last evaluated: 2025-11-09. Review status: criteria provided, single submitter. Criteria: Invitae Variant Classification Sherloc (09022015). Collection method: clinical testing. Allele origin: germline.
Comment: This sequence change replaces valine, which is neutral and non-polar, with isoleucine, which is neutral and non-polar, at codon 1289 of the RELN protein (p.Val1289Ile). This variant is present in population databases (no rsID available, gnomAD 0.006%). This variant has not been reported in the literature in individuals affected with RELN-related conditions. ClinVar contains an entry for this variant (Variation ID: 1484640). Invitae Evidence Modeling of protein sequence and biophysical properties (such as structural, functional, and spatial information, amino acid conservation, physicochemical variation, residue mobility, and thermodynamic stability) indicates that this missense variant is not expected to disrupt RELN protein function with a negative predictive value of 80%. In summary, the available evidence is currently insufficient to determine the role of this variant in disease. Therefore, it has been classified as a Variant of Uncertain Significance.

PreventionGenetics, part of Exact Sciences
Classification: Uncertain significance for RELN-related condition. Last evaluated: 2025-09-11. Review status: criteria provided, single submitter. Criteria: ACMG Guidelines, 2015. Collection method: clinical testing. Allele origin: germline.
Comment: The RELN c.3865G>A variant is predicted to result in the amino acid substitution p.Val1289Ile. To our knowledge, this variant has not been reported in the literature. This variant is reported in 0.0054% of alleles in individuals of East Asian descent in gnomAD. At this time, the clinical significance of this variant is uncertain due to the absence of conclusive functional and genetic evidence.